The following is an entry in ClinVar:

NM_004629.2(FANCG):c.337A>G (p.Arg113Gly)

Gene: FANCG (FA complementation group G; minus strand). Cytogenetic location: 9p13.3.
Variant type: single nucleotide variant.
Coding change: c.337A>G on transcript NM_004629.2 (MANE Select); coding-DNA position 337, A replaced by G.
Protein change: p.Arg113Gly; replaces arginine 113 with glycine.
Molecular consequence: missense variant.
Genome position (GRCh38, 1-based): chr9:35,078,314, T>C on the plus strand (A>G on the coding strand, the complement: FANCG is on the minus strand). VCF-style: chr9-35078314-T-C. GRCh37 (hg19) VCF-style: chr9-35078311-T-C.
Other names: short protein forms R113G.
Identifiers: ClinVar variation 1692839 (VCV001692839.1), dbSNP rs2131058590, ClinGen allele CA373314608.
Genomic context (GRCh38, chr9:35,078,314, plus strand): 5'-GCAGAAGGCAGGAAGCACGAAGGACAGAGTCCCACAGCTCCCTGAGCCCCTGTTCCAACC[T>C]GGGCCCCTGCTGCTCCTGTGTCTCCAGCACTGTAGAGTATACACACACACATAGACACAC-3'
Protein context (NP_004620.1, residues 103-123): VLETQEQQGP[Arg113Gly]LEQGLRELWD

ClinVar aggregate classification (germline): Uncertain significance (1 of 4 stars; one submission).

Conditions:
Fanconi anemia (FA). Also called: Fanconi's anemia. Identifiers: Orphanet 84, MedGen C0015625, MeSH D005199, MONDO:0019391.

Submission:

Sema4
Classification: Uncertain significance for Fanconi anemia. Last evaluated: 2021-10-30. Review status: criteria provided, single submitter. Criteria: Sema4 Curation Guidelines. Collection method: curation. Allele origin: germline.
Comment: The FANCG c.337A>G (p.R113G) variant has not been reported in the literature to our knowledge. This variant was not observed in the large and broad cohorts of the Genome Aggregation Database (PMID: 32461654). This variant has not been reported in ClinVar. In silico tools suggest the impact of the variant on protein function is benign, though these predictions have not been confirmed by functional studies. Based on the current evidence available, this variant is interpreted as a variant of uncertain significance.